The following is an entry in ClinVar:

NM_000744.7(CHRNA4):c.1158C>T (p.Pro386=)

Gene: CHRNA4 (cholinergic receptor nicotinic alpha 4 subunit; minus strand). Cytogenetic location: 20q13.33.
Variant type: single nucleotide variant.
Coding change: c.1158C>T on transcript NM_000744.7 (MANE Select); coding-DNA position 1158, C replaced by T.
Protein change: p.Pro386=; no amino-acid change (proline 386 retained).
Molecular consequence: synonymous variant. On other transcripts: non-coding transcript variant (1).
Genome position (GRCh38, 1-based): chr20:63,350,253, G>A on the plus strand (C>T on the coding strand, the complement: CHRNA4 is on the minus strand). VCF-style: chr20-63350253-G-A. GRCh37 (hg19) VCF-style: chr20-61981605-G-A.
Other names: c.630C>T, p.Pro210= (NM_001256573.2).
Identifiers: ClinVar variation 696896 (VCV000696896.39), dbSNP rs45564639, ClinGen allele CA9957645.

ClinVar aggregate classification (germline): Likely benign. Review status: criteria provided, multiple submitters, no conflicts (2 of 4 stars). 5 submissions from 5 submitters: Likely benign (5). Last evaluated 2025-12-13.

Conditions:
Familial sleep-related hypermotor epilepsy. Also called: Autosomal Dominant Sleep-Related Hypermotor (Hyperkinetic) Epilepsy. Identifiers: Orphanet 98784, MedGen C3696898, MONDO:0000030.
Inborn genetic diseases. Identifiers: MedGen C0950123, MeSH D030342.

Allele frequency attached by ClinVar (database versions not stated): TOPMed 0.00004; 1000 Genomes Project 30x 0.00047; 1000 Genomes Project 0.00060.
gnomAD v4.1: 30 of 1,609,740 alleles (0.0019%); highest among the groups gnomAD compares: East Asian, 0.029%; no homozygotes.

Submissions (5):

Labcorp Genetics (formerly Invitae), Labcorp
Classification: Likely benign. Last evaluated: 2025-12-13. Review status: criteria provided, single submitter. Criteria: Invitae Variant Classification Sherloc (09022015). Collection method: clinical testing. Allele origin: germline.

CeGaT Center for Human Genetics Tuebingen
Classification: Likely benign. Last evaluated: 2024-02-01. Review status: criteria provided, single submitter. Criteria: CeGaT Center For Human Genetics Tuebingen Variant Classification Criteria Version 2. Collection method: clinical testing. Allele origin: germline. Affected: yes. Observed: 1 variant allele.
Comment: CHRNA4: BP4, BP7

GeneDx
Classification: Likely benign. Last evaluated: 2020-10-26. Review status: criteria provided, single submitter. Criteria: GeneDx Variant Classification Process June 2021. Collection method: clinical testing. Allele origin: germline. Affected: yes.

Blueprint Genetics
Classification: Likely benign. Last evaluated: 2020-05-22. Review status: criteria provided, single submitter. Criteria: ACMG Guidelines, 2015. Collection method: clinical testing. Allele origin: germline.

Ambry Genetics
Classification: Likely benign for Inborn genetic diseases. Last evaluated: 2018-11-30. Review status: criteria provided, single submitter. Criteria: Ambry Variant Classification Scheme 2023. Collection method: clinical testing. Allele origin: germline.